The following is an entry in ClinVar:

ClinVar aggregate classification (germline): Uncertain significance (1 of 4 stars; one submission).

Allele frequency attached by ClinVar (database versions not stated): ESP Exome Variant Server 0.00015.
gnomAD v4.1: 36 of 1,597,370 alleles (0.0023%); highest among the groups gnomAD compares: African/African-American, 0.04%; no homozygotes.

Submission:

Labcorp Genetics (formerly Invitae), Labcorp
Classification: Uncertain significance. Last evaluated: 2025-11-10. Review status: criteria provided, single submitter. Criteria: Invitae Variant Classification Sherloc (09022015). Collection method: clinical testing. Allele origin: germline.
Comment: This sequence change replaces proline, which is neutral and non-polar, with threonine, which is neutral and polar, at codon 768 of the INTU protein (p.Pro768Thr). This variant is present in population databases (rs372426578, gnomAD 0.07%), and has an allele count higher than expected for a pathogenic variant. This variant has not been reported in the literature in individuals affected with INTU-related conditions. ClinVar contains an entry for this variant (Variation ID: 2191556). Invitae Evidence Modeling of protein sequence and biophysical properties (such as structural, functional, and spatial information, amino acid conservation, physicochemical variation, residue mobility, and thermodynamic stability) has been performed for this missense variant. However, the output from this modeling did not meet the statistical confidence thresholds required to predict the impact of this variant on INTU protein function. In summary, the available evidence is currently insufficient to determine the role of this variant in disease. Therefore, it has been classified as a Variant of Uncertain Significance.

NM_015693.4(INTU):c.2302C>A (p.Pro768Thr)

Genes: INTU (inturned planar cell polarity protein; plus strand), LOC123480930 (P300/CBP strongly-dependent group 1 enhancer GRCh37_chr4:128629462-128630661; plus strand). Cytogenetic location: 4q28.1.
Variant type: single nucleotide variant.
Coding change: c.2302C>A on transcript NM_015693.4 (MANE Select); coding-DNA position 2302, C replaced by A.
Protein change: p.Pro768Thr; replaces proline 768 with threonine.
Molecular consequence: missense variant.
Genome position (GRCh38, 1-based): chr4:127,708,601, C>A. VCF-style: chr4-127708601-C-A. GRCh37 (hg19) VCF-style: chr4-128629756-C-A.
Other names: short protein forms P768T.
Identifiers: ClinVar variation 2191556 (VCV002191556.4), dbSNP rs372426578, ClinGen allele CA3075300.